The following is an entry in ClinVar:

NM_032119.4(ADGRV1):c.212A>G (p.Tyr71Cys)

Gene: ADGRV1 (adhesion G protein-coupled receptor V1; plus strand). Cytogenetic location: 5q14.3.
Variant type: single nucleotide variant.
Coding change: c.212A>G on transcript NM_032119.4 (MANE Select); coding-DNA position 212, A replaced by G.
Protein change: p.Tyr71Cys; replaces tyrosine 71 with cysteine.
Molecular consequence: missense variant. On other transcripts: non-coding transcript variant (1).
Genome position (GRCh38, 1-based): chr5:90,617,808, A>G. VCF-style: chr5-90617808-A-G. GRCh37 (hg19) VCF-style: chr5-89913625-A-G.
Other names: short protein forms Y71C.
Identifiers: ClinVar variation 1408377 (VCV001408377.11), dbSNP rs530533430, ClinGen allele CA3338416.

ClinVar aggregate classification (germline): Conflicting classifications of pathogenicity. Review status: criteria provided, conflicting classifications (1 of 4 stars). 3 submissions from 3 submitters: Uncertain significance (2); Likely benign (1). Last evaluated 2026-06-28.

Conditions:
ADGRV1-related disorder. Also called: ADGRV1-related disorders; ADGRV1-related condition.

Allele frequency attached by ClinVar (database versions not stated): gnomAD exomes 0.00001 and 0.00002; ExAC 0.00002; TOPMed 0.00003; gnomAD 0.00004 and 0.00006; 1000 Genomes Project 0.00040; 1000 Genomes Project 30x 0.00062.
gnomAD v4.1: 17 of 1,593,300 alleles (0.0011%); highest among the groups gnomAD compares: Admixed American, 0.023%; no homozygotes.

Submissions (3):

PreventionGenetics, part of Exact Sciences
Classification: Uncertain significance for ADGRV1-related condition. Last evaluated: 2026-06-28. Review status: criteria provided, single submitter. Criteria: ACMG Guidelines, 2015. Collection method: clinical testing. Allele origin: germline.
Comment: The ADGRV1 c.212A>G variant is predicted to result in the amino acid substitution p.Tyr71Cys. To our knowledge, this variant has not been reported in the literature. This variant is reported in 0.016% of alleles in individuals of Latino descent in gnomAD. At this time, the clinical significance of this variant is uncertain due to the absence of conclusive functional and genetic evidence.

Labcorp Genetics (formerly Invitae), Labcorp
Classification: Likely benign. Last evaluated: 2025-05-22. Review status: criteria provided, single submitter. Criteria: Invitae Variant Classification Sherloc (09022015). Collection method: clinical testing. Allele origin: germline.

GeneDx
Classification: Uncertain significance. Last evaluated: 2023-03-21. Review status: criteria provided, single submitter. Criteria: GeneDx Variant Classification Process June 2021. Collection method: clinical testing. Allele origin: germline.
Comment: In silico analysis supports that this missense variant has a deleterious effect on protein structure/function; Has not been previously published as pathogenic or benign to our knowledge